The following is an entry in ClinVar:

ClinVar aggregate classification (germline): Conflicting classifications of pathogenicity. Review status: criteria provided, conflicting classifications (1 of 4 stars). 4 submissions from 4 submitters: Uncertain significance (3); Likely benign (1). Last evaluated 2025-01-24.

Conditions:
Inborn genetic diseases. Identifiers: MedGen C0950123, MeSH D030342.
Nemaline myopathy 2 (NEM2). Also called: Nemaline myopathy 2, autosomal recessive. Identifiers: MedGen C1850569, MONDO:0009725, OMIM 256030.

Allele frequency attached by ClinVar (database versions not stated): gnomAD exomes 0.00014; 1000 Genomes Project 0.00020; ExAC 0.00025; 1000 Genomes Project 30x 0.00031; gnomAD 0.00032 and 0.00035; ESP Exome Variant Server 0.00043.
gnomAD v4.1: 70 of 1,372,508 alleles (0.0051%); highest among the groups gnomAD compares: African/African-American, 0.086%; 1 homozygote.

Submissions (4):

Ambry Genetics
Classification: Uncertain significance for Inborn genetic diseases. Last evaluated: 2025-01-24. Review status: criteria provided, single submitter. Criteria: Ambry Variant Classification Scheme 2023. Collection method: clinical testing. Allele origin: germline.

Revvity Omics, Revvity
Classification: Uncertain significance. Last evaluated: 2023-08-11. Review status: criteria provided, single submitter. Criteria: ACMG Guidelines, 2015. Collection method: clinical testing. Allele origin: germline.

Labcorp Genetics (formerly Invitae), Labcorp
Classification: Uncertain significance for Nemaline myopathy 2. Last evaluated: 2022-09-13. Review status: criteria provided, single submitter. Criteria: Invitae Variant Classification Sherloc (09022015). Collection method: clinical testing. Allele origin: germline.
Comment: This sequence change replaces arginine, which is basic and polar, with histidine, which is basic and polar, at codon 3693 of the NEB protein (p.Arg3693His). This variant is present in population databases (rs368915047, gnomAD 0.09%). This variant has not been reported in the literature in individuals affected with NEB-related conditions. ClinVar contains an entry for this variant (Variation ID: 388193). Algorithms developed to predict the effect of missense changes on protein structure and function are either unavailable or do not agree on the potential impact of this missense change (SIFT: "Deleterious"; PolyPhen-2: "Not Available"; Align-GVGD: "Class C0"). In summary, the available evidence is currently insufficient to determine the role of this variant in disease. Therefore, it has been classified as a Variant of Uncertain Significance.

GeneDx
Classification: Likely benign. Last evaluated: 2016-08-16. Review status: criteria provided, single submitter. Criteria: GeneDx Variant Classification (06012015). Collection method: clinical testing. Allele origin: germline. Affected: yes.
Comment: This variant is considered likely benign or benign based on one or more of the following criteria: it is a conservative change, it occurs at a poorly conserved position in the protein, it is predicted to be benign by multiple in silico algorithms, and/or has population frequency not consistent with disease.

NM_001164508.2(NEB):c.11078G>A (p.Arg3693His)

Gene: NEB (nebulin; minus strand). Cytogenetic location: 2q23.3.
Variant type: single nucleotide variant.
Coding change: c.11078G>A on transcript NM_001164508.2 (MANE Select); coding-DNA position 11078, G replaced by A.
Protein change: p.Arg3693His; replaces arginine 3693 with histidine.
Molecular consequence: missense variant.
Genome position (GRCh38, 1-based): chr2:151,617,467, C>T on the plus strand (G>A on the coding strand, the complement: NEB is on the minus strand). VCF-style: chr2-151617467-C-T. GRCh37 (hg19) VCF-style: chr2-152473981-C-T.
Other names: c.10349G>A (NM_004543.4); c.11078G>A, p.Arg3693His (NM_001164507.2, NM_001271208.2); c.10349G>A, p.Arg3450His (NM_004543.5); short protein forms R3693H, R3450H.
Identifiers: ClinVar variation 388193 (VCV000388193.9), dbSNP rs368915047, ClinGen allele CA1908842.
Genomic context (GRCh38, chr2:151,617,467, plus strand): 5'-GGTGTATCAGGCATGACATGAATAGTTTTCTTGTCATTGTCCCAGGCTTCAGTATATAAG[C>T]GCTACAAAAAAAAAAAAAAAAGAGAGAGAGAGAGAGAAAAATTATTTTGGTGTTCACAGA-3'
Protein context (NP_001157980.2, residues 3683-3703): AKNNALNMNK[Arg3693His]LYTEAWDNDK